The following is an entry in ClinVar:

NM_018245.3(OGDHL):c.111G>A (p.Pro37=)

Gene: OGDHL (oxoglutarate dehydrogenase L; minus strand). Cytogenetic location: 10q11.23.
Variant type: single nucleotide variant.
Coding change: c.111G>A on transcript NM_018245.3 (MANE Select); coding-DNA position 111, G replaced by A.
Protein change: p.Pro37=; no amino-acid change (proline 37 retained).
Molecular consequence: synonymous variant. On other transcripts: 5 prime UTR variant (3), non-coding transcript variant (4), intron variant (2).
Genome position (GRCh38, 1-based): chr10:49,758,482, C>T on the plus strand (G>A on the coding strand, the complement: OGDHL is on the minus strand). VCF-style: chr10-49758482-C-T. GRCh37 (hg19) VCF-style: chr10-50966528-C-T.
Other names: c.111G>A, p.Pro37= (NM_001143996.2, NM_001347819.1, NM_001347820.1 and 2 more transcripts); c.-828G>A (NM_001347821.2, NM_001347825.2); c.-816G>A (NM_001347826.1); c.-253+3851G>A (NM_001347822.1); c.-253+3757G>A (NM_001143997.2).
Identifiers: ClinVar variation 3050206 (VCV003050206.2), dbSNP rs138949514, ClinGen allele CA5499047.

ClinVar aggregate classification (germline): Likely benign (0 of 4 stars; one submission).

Conditions:
OGDHL-related disorder. Also called: OGDHL-related condition.

Allele frequency attached by ClinVar (database versions not stated): ESP Exome Variant Server 0.00015; gnomAD 0.00027; ExAC 0.00032; gnomAD exomes 0.00048.
gnomAD v4.1: 746 of 1,613,754 alleles (0.046%); highest among the groups gnomAD compares: Non-Finnish European, 0.058%; 1 homozygote.

Submission:

PreventionGenetics, part of Exact Sciences
Classification: Likely benign for OGDHL-related condition. Last evaluated: 2019-07-10. Review status: no assertion criteria provided. Collection method: clinical testing. Allele origin: germline.
Comment: This variant is classified as likely benign based on ACMG/AMP sequence variant interpretation guidelines (Richards et al. 2015 PMID: 25741868, with internal and published modifications).